The following is an entry in ClinVar:

ClinVar aggregate classification (germline): Uncertain significance. Review status: criteria provided, multiple submitters, no conflicts (2 of 4 stars). 2 submissions from 2 submitters: Uncertain significance (2). Last evaluated 2025-10-22.

Allele frequency attached by ClinVar (database versions not stated): gnomAD exomes below 0.00001.
gnomAD v4.1: 3 of 1,614,222 alleles (0.00019%); highest among the groups gnomAD compares: Middle Eastern, 0.033%; no homozygotes.

Submissions (2):

Ambry Genetics
Classification: Uncertain significance. Last evaluated: 2025-10-22. Review status: criteria provided, single submitter. Criteria: Ambry Variant Classification Scheme 2023. Collection method: clinical testing. Allele origin: germline.
Comment: The p.N573K variant (also known as c.1719T>G), located in coding exon 12 of the RINT1 gene, results from a T to G substitution at nucleotide position 1719. The asparagine at codon 573 is replaced by lysine, an amino acid with similar properties. This amino acid position is conserved. In addition, this alteration is predicted to be tolerated by in silico analysis. Since supporting evidence is limited at this time, the clinical significance of this alteration remains unclear.

Labcorp Genetics (formerly Invitae), Labcorp
Classification: Uncertain significance. Last evaluated: 2022-10-05. Review status: criteria provided, single submitter. Criteria: Invitae Variant Classification Sherloc (09022015). Collection method: clinical testing. Allele origin: germline.
Comment: This sequence change replaces asparagine, which is neutral and polar, with lysine, which is basic and polar, at codon 573 of the RINT1 protein (p.Asn573Lys). This variant is not present in population databases (gnomAD no frequency). This variant has not been reported in the literature in individuals affected with RINT1-related conditions. Algorithms developed to predict the effect of missense changes on protein structure and function (SIFT, PolyPhen-2, Align-GVGD) all suggest that this variant is likely to be tolerated. In summary, the available evidence is currently insufficient to determine the role of this variant in disease. Therefore, it has been classified as a Variant of Uncertain Significance.

NM_021930.6(RINT1):c.1719T>G (p.Asn573Lys)

Gene: RINT1 (RAD50 interactor 1; plus strand). Cytogenetic location: 7q22.3.
Variant type: single nucleotide variant.
Coding change: c.1719T>G on transcript NM_021930.6 (MANE Select); coding-DNA position 1719, T replaced by G.
Protein change: p.Asn573Lys; replaces asparagine 573 with lysine.
Molecular consequence: missense variant. On other transcripts: non-coding transcript variant (1).
Genome position (GRCh38, 1-based): chr7:105,563,780, T>G. VCF-style: chr7-105563780-T-G. GRCh37 (hg19) VCF-style: chr7-105204227-T-G.
Other names: c.1485T>G, p.Asn495Lys (NM_001346599.2); c.696T>G, p.Asn232Lys (NM_001346600.2, NM_001346603.2); c.795T>G, p.Asn265Lys (NM_001346601.2); short protein forms N232K, N265K, N495K, N573K.
Identifiers: ClinVar variation 1778692 (VCV001778692.8), dbSNP rs2485175184, ClinGen allele CA368813623.